The following is an entry in ClinVar:

NM_006412.4(AGPAT2):c.741C>T (p.Thr247=)

Gene: AGPAT2 (1-acylglycerol-3-phosphate O-acyltransferase 2; minus strand). Cytogenetic location: 9q34.3.
Variant type: single nucleotide variant.
Coding change: c.741C>T on transcript NM_006412.4 (MANE Select); coding-DNA position 741, C replaced by T.
Protein change: p.Thr247=; no amino-acid change (threonine 247 retained).
Molecular consequence: synonymous variant.
Genome position (GRCh38, 1-based): chr9:136,673,848, G>A on the plus strand (C>T on the coding strand, the complement: AGPAT2 is on the minus strand). VCF-style: chr9-136673848-G-A. GRCh37 (hg19) VCF-style: chr9-139568300-G-A.
Other names: c.645C>T, p.Thr215= (NM_001012727.2).
Identifiers: ClinVar variation 735097 (VCV000735097.13), dbSNP rs117434864, ClinGen allele CA5342832.

ClinVar aggregate classification (germline): Benign/Likely benign. Review status: criteria provided, multiple submitters, no conflicts (2 of 4 stars). 4 submissions from 4 submitters: Benign (2); Likely benign (2). Last evaluated 2026-01-25.

Conditions:
Congenital generalized lipodystrophy type 1 (CGL1). Also called: BRUNZELL SYNDROME, AGPAT2-RELATED; Berardinelli-Seip Congenital Lipodystrophy Type 1. Identifiers: Orphanet 528, Orphanet 696189, MedGen C1720862, MONDO:0012071, OMIM 608594.

Allele frequency attached by ClinVar (database versions not stated): TOPMed 0.00019; gnomAD 0.00024 and 0.00061; gnomAD exomes 0.00028 and 0.00103; ExAC 0.00044; 1000 Genomes Project 30x 0.00250; 1000 Genomes Project 0.00300.
gnomAD v4.1: 1,541 of 1,606,242 alleles (0.096%); highest among the groups gnomAD compares: East Asian, 3.4%; 56 homozygotes.

Submissions (4):

Labcorp Genetics (formerly Invitae), Labcorp
Classification: Benign. Last evaluated: 2026-01-25. Review status: criteria provided, single submitter. Criteria: Invitae Variant Classification Sherloc (09022015). Collection method: clinical testing. Allele origin: germline.

Blueprint Genetics
Classification: Likely benign. Last evaluated: 2024-10-23. Review status: criteria provided, single submitter. Criteria: ACMG Guidelines, 2015. Collection method: clinical testing. Allele origin: germline.

Fulgent Genetics
Classification: Likely benign for Congenital generalized lipodystrophy type 1. Last evaluated: 2021-12-27. Review status: criteria provided, single submitter. Criteria: ACMG Guidelines, 2015. Collection method: clinical testing. Allele origin: unknown.

Illumina Laboratory Services, Illumina
Classification: Benign for Congenital generalized lipodystrophy type 1. Last evaluated: 2017-04-27. Review status: criteria provided, single submitter. Criteria: ICSL Variant Classification Criteria 13 December 2019. Collection method: clinical testing. Allele origin: germline.
Comment: This variant was observed as part of a predisposition screen in an ostensibly healthy population. A literature search was performed for the gene, cDNA change, and amino acid change (where applicable). No publications were found based on this search. Allele frequency data from public databases was too high to be consistent with this variant causing disease. Therefore, this variant is classified as benign.